The following is an entry in ClinVar:

ClinVar aggregate classification (germline): Benign/Likely benign. Review status: criteria provided, multiple submitters, no conflicts (2 of 4 stars). 4 submissions from 4 submitters: Benign (1); Likely benign (3). Last evaluated 2026-09-01.

Conditions:
Inborn genetic diseases. Identifiers: MedGen C0950123, MeSH D030342.

Allele frequency attached by ClinVar (database versions not stated): ESP Exome Variant Server 0.00008; ExAC 0.00009; gnomAD 0.00009; gnomAD exomes 0.00009; 1000 Genomes Project 30x 0.00016; 1000 Genomes Project 0.00020.

Submissions (4):

CeGaT Center for Human Genetics Tuebingen
Classification: Likely benign. Last evaluated: 2026-09-01. Review status: criteria provided, single submitter. Criteria: CeGaT Center For Human Genetics Tuebingen Variant Classification Criteria Version 2. Collection method: clinical testing. Allele origin: germline. Affected: yes. Observed: 2 variant alleles.
Comment: SON: BP4

Labcorp Genetics (formerly Invitae), Labcorp
Classification: Benign. Last evaluated: 2026-01-08. Review status: criteria provided, single submitter. Criteria: Invitae Variant Classification Sherloc (09022015). Collection method: clinical testing. Allele origin: germline.

Women's Health and Genetics/Laboratory Corporation of America, LabCorp
Classification: Likely benign. Last evaluated: 2025-09-09. Review status: criteria provided, single submitter. Criteria: LabCorp Variant Classification Summary - May 2015. Collection method: clinical testing. Allele origin: germline.
Comment: Variant summary: SON c.4244C>T (p.Pro1415Leu) results in a non-conservative amino acid change in the encoded protein sequence. Algorithms developed to predict the effect of missense changes on protein structure and function are either unavailable or do not agree on the potential impact of this missense change. The variant allele was found at a frequency of 9.1e-05 in 251484 control chromosomes. To our knowledge, no occurrence of c.4244C>T in individuals affected with SON-related conditions and no experimental evidence demonstrating its impact on protein function have been reported. ClinVar contains an entry for this variant (Variation ID: 1595041). Based on the evidence outlined above, the variant was classified as likely benign.

Ambry Genetics
Classification: Likely benign for Inborn genetic diseases. Last evaluated: 2025-06-24. Review status: criteria provided, single submitter. Criteria: Ambry Variant Classification Scheme 2023. Collection method: clinical testing. Allele origin: germline.

NM_138927.4(SON):c.4244C>T (p.Pro1415Leu)

Gene: SON (SON DNA and RNA binding protein; plus strand). Cytogenetic location: 21q22.11.
Variant type: single nucleotide variant.
Coding change: c.4244C>T on transcript NM_138927.4 (MANE Select); coding-DNA position 4244, C replaced by T.
Protein change: p.Pro1415Leu; replaces proline 1415 with leucine.
Molecular consequence: missense variant. On other transcripts: non-coding transcript variant (1), intron variant (1).
Genome position (GRCh38, 1-based): chr21:33,553,475, C>T. VCF-style: chr21-33553475-C-T. GRCh37 (hg19) VCF-style: chr21-34925781-C-T.
Other names: c.4244C>T (NM_138927.1); c.4244C>T, p.Pro1415Leu (NM_001291411.2, NM_032195.3); c.245-3681C>T (NM_001291412.3); short protein forms P1415L.
Identifiers: ClinVar variation 1595041 (VCV001595041.27), dbSNP rs201445156, ClinGen allele CA10009490.